The following is an entry in ClinVar:

ClinVar aggregate classification (germline): Pathogenic (1 of 4 stars; one submission).

Conditions:
Cystic fibrosis (CF). Also called: MUCOVISCIDOSIS. Identifiers: Orphanet 586, MedGen C0010674, MONDO:0009061, OMIM 219700. Disease mechanism: loss of function.

Submission:

Johns Hopkins Genomics, Johns Hopkins University
Classification: Pathogenic for Cystic fibrosis. Last evaluated: 2025-04-07. Review status: criteria provided, single submitter. Criteria: ACMG Guidelines, 2015. Collection method: clinical testing. Allele origin: germline.
Comment: Evidence of a CFTR gene deletion involving all of exons 18 through 20 (legacy exons 16-17b) was identified. A similar CFTR gene deletion has been previously reported in individuals with cystic fibrosis. We consider this deletion to be pathogenic.

Literature cited by the submitters: PubMed 22572733; PubMed 29951967.

NM_000492.4(CFTR):c.2908+1086_3367+260del

Genes: CFTR (CF transmembrane conductance regulator; plus strand), CFTR-AS2 (CFTR antisense RNA 2; minus strand), LOC111674472 (DNase I hypersensitive sites in introns 16 and 17a of CFTR; plus strand). Cytogenetic location: 7q31.2.
Variant type: Deletion.
Coding change: c.2908+1086_3367+260del on transcript NM_000492.4 (MANE Select); 1086 bases into the intron after coding-DNA position 2908 through 260 bases into the intron after coding-DNA position 3367, 7,201 bases deleted.
Molecular consequence: splice acceptor variant, splice donor variant.
Genome position (GRCh38, 1-based): chr7:117,604,868-117,612,068, 7,201 bases deleted. GRCh37 (hg19): chr7:117,244,922-117,252,122.
Identifiers: ClinVar variation 4280076 (VCV004280076.1).